The following is an entry in ClinVar:

NM_001267550.2(TTN):c.102176_102177del (p.Lys34059fs)

Genes: TTN (titin; minus strand), TTN-AS1 (TTN antisense RNA 1; plus strand). Cytogenetic location: 2q31.2.
Variant type: Deletion.
Coding change: c.102176_102177del on transcript NM_001267550.2 (MANE Select); coding-DNA positions 102176 to 102177, 2 bases deleted (AA; older notation c.102176_102177delAA).
Protein change: p.Lys34059fs; shifts the reading frame from lysine 34059.
Molecular consequence: frameshift variant.
Genome position (GRCh38, 1-based): chr2:178,534,438-178,534,439, TT deleted on the plus strand (AA on the coding strand, the reverse complement: TTN is on the minus strand); deleting any 2 consecutive bases within chr2:178,534,438-178,534,440 gives the same sequence; the c. name uses the placement nearest the transcript's 3' end. VCF-style (leftmost placement, unchanged base first): chr2-178534437-ATT-A. GRCh37 (hg19) VCF-style: chr2-179399164-ATT-A.
Other names: c.97253_97254del, p.Lys32418fs (NM_001256850.1); c.74981_74982del, p.Lys24994fs (NM_003319.4); c.94472_94473del, p.Lys31491fs (NM_133378.4); c.75356_75357del, p.Lys25119fs (NM_133432.3); c.75557_75558del, p.Lys25186fs (NM_133437.4); short protein forms K32418fs, K34059fs, K24994fs, K25186fs, K25119fs, K31491fs.
Identifiers: ClinVar variation 2945330 (VCV002945330.3), dbSNP rs1559037565, ClinGen allele CA914516565.

ClinVar aggregate classification (germline): Likely pathogenic (1 of 4 stars; one submission).

Conditions:
Dilated cardiomyopathy 1G (CMD1G). Identifiers: Orphanet 154, MedGen C1858763, MONDO:0011400, OMIM 604145.
Autosomal recessive limb-girdle muscular dystrophy type 2J (LGMDR10). Also called: Limb-girdle muscular dystrophy, type 2J; MUSCULAR DYSTROPHY, LIMB-GIRDLE, AUTOSOMAL RECESSIVE 10. Identifiers: Orphanet 140922, MedGen C1837342, MONDO:0012127, OMIM 608807.

Submission:

Labcorp Genetics (formerly Invitae), Labcorp
Classification: Likely pathogenic for Dilated cardiomyopathy 1G; Autosomal recessive limb-girdle muscular dystrophy type 2J. Last evaluated: 2023-12-06. Review status: criteria provided, single submitter. Criteria: Invitae Variant Classification Sherloc (09022015). Collection method: clinical testing. Allele origin: germline.
Comment: This sequence change creates a premature translational stop signal (p.Lys34059Ilefs*24) in the TTN gene. While this is not anticipated to result in nonsense mediated decay, it is expected to create a truncated TTN protein. This variant is not present in population databases (gnomAD no frequency). This variant has not been reported in the literature in individuals affected with TTN-related conditions. This variant is located in the M band of TTN (PMID: 25589632). Truncating variants in this region have been previously reported in individuals affected with autosomal recessive myopathy and muscular dystrophy (PMID: 18948003, 23975875, 24395473). Truncating variants in this region have also been identified in individuals affected with autosomal dominant dilated cardiomyopathy and/or cardio-related conditions (PMID: 27869827, 32964742). In summary, the currently available evidence indicates that the variant is pathogenic, but additional data are needed to prove that conclusively. Therefore, this variant has been classified as Likely Pathogenic.

Literature cited by the submitters: PubMed 25589632; PubMed 18948003; PubMed 23975875; PubMed 24395473; PubMed 27869827; PubMed 32964742.